The following is an entry in ClinVar:

NM_000138.5(FBN1):c.7103_7104dup (p.Arg2369fs)

Gene: FBN1 (fibrillin 1; minus strand). Cytogenetic location: 15q21.1.
Variant type: Duplication.
Coding change: c.7103_7104dup on transcript NM_000138.5 (MANE Select); coding-DNA positions 7103 to 7104, 2 bases duplicated (GG; older notation c.7103_7104dupGG).
Protein change: p.Arg2369fs; shifts the reading frame from arginine 2369.
Molecular consequence: frameshift variant.
Genome position (GRCh38, 1-based): chr15:48,427,667-48,427,668, CC duplicated on the plus strand (GG on the coding strand, the reverse complement: FBN1 is on the minus strand); duplicating any 2 consecutive bases within chr15:48,427,667-48,427,669 gives the same sequence; the c. name uses the placement nearest the transcript's 3' end. VCF-style (leftmost placement, unchanged base first): chr15-48427666-T-TCC. GRCh37 (hg19) VCF-style: chr15-48719863-T-TCC.
Other names: c.7103_7104dup, p.Arg2369fs (NM_001406716.1); short protein forms R2369fs.
Identifiers: ClinVar variation 4785889 (VCV004785889.1).
Genomic context (GRCh38, chr15:48,427,666, plus strand): 5'-GTTTCTTGAAAGCCACAGTCCCCTGGAAAGGGCAGATCTCACAGTGGGGACCCCAGCCTC[T>TCC]CCCTCCGTCACAGCAGCATTCCGATTTGGTGACGGGGTTCCTGTTGCTGGAGCCGATCTG-3'

ClinVar aggregate classification (germline): Pathogenic (1 of 4 stars; one submission).

Conditions:
Marfan syndrome (MFS). Also called: FBN1-Related Marfan Syndrome; MARFAN SYNDROME, TYPE I; Marfan syndrome type 1; Marfan's syndrome; Marfan syndrome, classic. Identifiers: Orphanet 284963, Orphanet 558, MedGen C0024796, MONDO:0007947, OMIM 154700.
Familial thoracic aortic aneurysm and aortic dissection (TAAD). Also called: Thoracic aortic aneurysms and dissections. Identifiers: Orphanet 91387, MedGen C4707243, MONDO:0019625.

Submission:

Labcorp Genetics (formerly Invitae), Labcorp
Classification: Pathogenic for Marfan syndrome; Familial thoracic aortic aneurysm and aortic dissection. Last evaluated: 2026-01-13. Review status: criteria provided, single submitter. Criteria: Invitae Variant Classification Sherloc (09022015). Collection method: clinical testing. Allele origin: germline.
Comment: This sequence change creates a premature translational stop signal (p.Arg2369Glyfs*30) in the FBN1 gene. It is expected to result in an absent or disrupted protein product. Loss-of-function variants in FBN1 are known to be pathogenic (PMID: 17657824, 19293843). This variant is not present in population databases (gnomAD no frequency). This variant has not been reported in the literature in individuals affected with FBN1-related conditions. For these reasons, this variant has been classified as Pathogenic.

Literature cited by the submitters: PubMed 17657824; PubMed 19293843.